The following is an entry in ClinVar:

ClinVar aggregate classification (germline): Pathogenic (1 of 4 stars; one submission).

Conditions:
Deficiency of alpha-mannosidase (MANSA). Also called: LYSOSOMAL ALPHA-D-MANNOSIDASE DEFICIENCY; Alpha-Mannosidosis; Mannosidosis, alpha-, types I and II. Identifiers: Orphanet 61, MedGen C0024748, MONDO:0009561, OMIM 248500.

Submission:

Labcorp Genetics (formerly Invitae), Labcorp
Classification: Pathogenic for Deficiency of alpha-mannosidase. Last evaluated: 2023-05-09. Review status: criteria provided, single submitter. Criteria: Invitae Variant Classification Sherloc (09022015). Collection method: clinical testing. Allele origin: germline.
Comment: This sequence change creates a premature translational stop signal (p.Ala49Glyfs*25) in the MAN2B1 gene. It is expected to result in an absent or disrupted protein product. Loss-of-function variants in MAN2B1 are known to be pathogenic (PMID: 9915946, 22161967). For these reasons, this variant has been classified as Pathogenic. This variant has not been reported in the literature in individuals affected with MAN2B1-related conditions. This variant is not present in population databases (gnomAD no frequency).

Literature cited by the submitters: PubMed 9915946; PubMed 22161967.

NM_000528.4(MAN2B1):c.145dup (p.Ala49fs)

Gene: MAN2B1 (mannosidase alpha class 2B member 1; minus strand). Cytogenetic location: 19p13.13.
Variant type: Duplication.
Coding change: c.145dup on transcript NM_000528.4 (MANE Select); coding-DNA position 145, one base duplicated (G; older notation c.145dupG).
Protein change: p.Ala49fs; shifts the reading frame from alanine 49.
Molecular consequence: frameshift variant.
Genome position (GRCh38, 1-based): chr19:12,666,557, C duplicated on the plus strand (G on the coding strand, the reverse complement: MAN2B1 is on the minus strand); the first of 3 consecutive C bases (chr19:12,666,557-12,666,559); duplicating any one gives the same sequence. VCF-style (leftmost placement, unchanged base first): chr19-12666556-G-GC. GRCh37 (hg19) VCF-style: chr19-12777370-G-GC.
Other names: c.145dup, p.Ala49fs (NM_001173498.2); short protein forms A49fs.
Identifiers: ClinVar variation 2849703 (VCV002849703.3), dbSNP rs2512519922, ClinGen allele CA2739276591.